The following is an entry in ClinVar:

ClinVar aggregate classification (germline): Pathogenic/Likely pathogenic. Review status: criteria provided, multiple submitters, no conflicts (2 of 4 stars). 4 submissions from 4 submitters: Pathogenic (3); Likely pathogenic (1). Last evaluated 2025-11-18.

Conditions:
FGFR2-related craniosynostosis. Identifiers: MedGen CN231480.
Acrocephalosyndactyly type I (ACS1). Also called: Acrocephalo-syndactyly type 1; ACS 1; Syndactylic oxycephaly; Apert syndrome. Identifiers: Orphanet 87, MedGen C0001193, MONDO:0007041, OMIM 101200.
Beare-Stevenson cutis gyrata syndrome (BSTVS). Identifiers: Orphanet 1555, MedGen C1852406, MONDO:0007412, OMIM 123790.
Antley-Bixler syndrome without genital anomalies or disordered steroidogenesis (ABS2). Also called: Antley-Bixler Syndrome, Autosomal Dominant; Trapezoidocephaly synostosis syndrome; Osteodysgenesis, multisynostotic with fractures; MULTISYNOSTOTIC OSTEODYSGENESIS WITH LONG BONE FRACTURES. Identifiers: Orphanet 596008, Orphanet 83, MedGen C2936791, MONDO:0020667, OMIM 207410.
Saethre-Chotzen syndrome (SCS). Also called: ACROCEPHALY, SKULL ASYMMETRY, AND MILD SYNDACTYLY; ACS III; CHOTZEN SYNDROME. Identifiers: Orphanet 794, MedGen C0175699, MONDO:0007042, OMIM 101400.
Familial scaphocephaly syndrome, McGillivray type. Also called: SCAPHOCEPHALY, MAXILLARY RETRUSION, AND IMPAIRED INTELLECTUAL DEVELOPMENT. Identifiers: Orphanet 168624, MedGen C1865070, MONDO:0012307, OMIM 609579.
Levy-Hollister syndrome (LADD). Also called: LADD syndrome. Identifiers: Orphanet 2363, MedGen C0265269, MONDO:0007872.
Jackson-Weiss syndrome (JWS). Also called: CRANIOSYNOSTOSIS, MIDFACIAL HYPOPLASIA, AND FOOT ABNORMALITIES. Identifiers: Orphanet 1540, MedGen C0795998, MONDO:0007400, OMIM 123150. Disease mechanism: loss of function.
Pfeiffer syndrome (ACS5). Also called: ACS V. Identifiers: Orphanet 710, MedGen C0220658, MONDO:0007043, OMIM 101600.
Neoplasm of stomach. Also called: Neoplasm of the stomach; Gastric neoplasm; Stomach Neoplasms. Identifiers: MedGen C0038356, MONDO:0021085, HP:0006753. Disease mechanism: gain of function. Inheritance: Somatic mutation.
Crouzon syndrome. Also called: Craniofacial dysostosis type 1; Crouzon craniofacial dysostosis; Crouzon disease; Craniofacial dysostosis; CRANIOFACIAL DYSOSTOSIS, TYPE I. Identifiers: Orphanet 207, MedGen C0010273, MeSH D003394, MONDO:0007405, OMIM 123500, HP:0004439.
Bent bone dysplasia syndrome 1 (BBDS1). Also called: FGFR2-related bent bone dysplasia. Identifiers: Orphanet 313855, MedGen C3281247, MONDO:0013815, OMIM 614592.
Autosomal dominant FGFR2-related disorders.

Allele frequency attached by ClinVar (database versions not stated): TOPMed below 0.00001.

Submissions (4):

Variantyx, Inc.
Classification: Pathogenic for Autosomal dominant FGFR2-related disorders. Last evaluated: 2025-11-18. Review status: criteria provided, single submitter. Criteria: Variantyx Assertion Criteria 2022. Collection method: clinical testing. Allele origin: germline. Inheritance: Autosomal dominant inheritance. Affected: yes.
Comment: This is a nonsynonymous variant in the FGFR2 gene (OMIM: 176943). Pathogenic variants in this gene have been associated with autosomal dominant FGFR2-related disorders. This variant has been reported in several individuals with Crouzon syndrome (PMID: 24127277) (PS4_Moderate) and likely occurred de novo in individuals reported in the published literature; however, the possibility of parental germline mosaicism cannot be excluded (PMID: 8946174) (PS2). This variant lies within a known hotspot for pathogenic variants or a well-established critical functional domain of the FGFR2 protein (PM1) and multiple computational algorithms predict a deleterious effect for this variant (REVEL score: 0.898) (PP3). This variant is absent from control populations (PM2). Based on the current evidence, this variant is classified as pathogenic for autosomal dominant FGFR2-related disorders.Inheritance from an unaffected or mildly affected parent has been reported, consistent with incomplete penetrance and variable expressivity (PMID: 20301628).

Labcorp Genetics (formerly Invitae), Labcorp
Classification: Pathogenic for FGFR2-related craniosynostosis. Last evaluated: 2025-06-27. Review status: criteria provided, single submitter. Criteria: Invitae Variant Classification Sherloc (09022015). Collection method: clinical testing. Allele origin: germline.
Comment: This sequence change replaces glycine, which is neutral and non-polar, with arginine, which is basic and polar, at codon 384 of the FGFR2 protein (p.Gly384Arg). This variant is not present in population databases (gnomAD no frequency). This missense change has been observed in individual(s) with craniosynostosis (PMID: 8946174, 24127277). In at least one individual the variant was observed to be de novo. ClinVar contains an entry for this variant (Variation ID: 478046). Invitae Evidence Modeling of protein sequence and biophysical properties (such as structural, functional, and spatial information, amino acid conservation, physicochemical variation, residue mobility, and thermodynamic stability) has been performed for this missense variant. However, the output from this modeling did not meet the statistical confidence thresholds required to predict the impact of this variant on FGFR2 protein function. For these reasons, this variant has been classified as Pathogenic.

MVZ Medizinische Genetik Mainz
Classification: Likely pathogenic for Crouzon syndrome. Last evaluated: 2025-03-06. Review status: criteria provided, single submitter. Criteria: UK Practice Guidelines For Variant Classification V4 01 2020. Collection method: clinical testing. Allele origin: germline. Inheritance: Autosomal dominant inheritance. Affected: yes. Observed: 1 variant allele.
Comment: ACMG Criteria: PS4,PP3_MOD,PM2_SUP,PM6_SUP

Fulgent Genetics
Classification: Pathogenic for Acrocephalosyndactyly type I; Saethre-Chotzen syndrome; Pfeiffer syndrome; Jackson-Weiss syndrome; Crouzon syndrome; Beare-Stevenson cutis gyrata syndrome; LADD syndrome 1; Antley-Bixler syndrome without genital anomalies or disordered steroidogenesis; Familial scaphocephaly syndrome, McGillivray type; Gastric cancer; Bent bone dysplasia syndrome 1. Last evaluated: 2018-10-31. Review status: criteria provided, single submitter. Criteria: ACMG Guidelines, 2015. Collection method: clinical testing. Allele origin: unknown.

Literature cited by the submitters: PubMed 24127277 (cited by Variantyx, Inc. and Labcorp Genetics (formerly Invitae), Labcorp); PubMed 8946174 (cited by Variantyx, Inc. and Labcorp Genetics (formerly Invitae), Labcorp).

NM_000141.5(FGFR2):c.1150G>A (p.Gly384Arg)

Gene: FGFR2 (fibroblast growth factor receptor 2; minus strand). Cytogenetic location: 10q26.13.
Variant type: single nucleotide variant.
Coding change: c.1150G>A on transcript NM_000141.5 (MANE Select); coding-DNA position 1150, G replaced by A.
Protein change: p.Gly384Arg; replaces glycine 384 with arginine.
Molecular consequence: missense variant. On other transcripts: non-coding transcript variant (1), intron variant (1).
Genome position (GRCh38, 1-based): chr10:121,515,254, C>T on the plus strand (G>A on the coding strand, the complement: FGFR2 is on the minus strand). VCF-style: chr10-121515254-C-T. GRCh37 (hg19) VCF-style: chr10-123274768-C-T.
Other names: c.1153G>A, p.Gly385Arg (NM_001144913.1, NM_022970.4); c.814G>A, p.Gly272Arg (NM_001144914.1); c.883G>A, p.Gly295Arg (NM_001144915.2, NM_023029.3); c.805G>A, p.Gly269Arg (NM_001144916.2, NM_001144918.2); c.886G>A, p.Gly296Arg (NM_001144919.2); c.466G>A, p.Gly156Arg (NM_001320654.2); c.1150G>A, p.Gly384Arg (NM_001320658.2); c.939+4725G>A (NM_001144917.2); short protein forms G384R, G385R, G156R, G295R, G269R, G296R, G272R.
Identifiers: ClinVar variation 478046 (VCV000478046.11), dbSNP rs1554927408, ClinGen allele CA378327226.